The following is an entry in ClinVar:

ClinVar aggregate classification (germline): Likely benign (1 of 4 stars; one submission).

Conditions:
NOTCH2-related disorder. Also called: NOTCH2-related condition.

gnomAD v4.1: 56 of 1,614,030 alleles (0.0035%); highest among the groups gnomAD compares: South Asian, 0.061%; 2 homozygotes.

Submission:

PreventionGenetics, part of Exact Sciences
Classification: Likely benign for NOTCH2-related condition. Last evaluated: 2025-08-20. Review status: criteria provided, single submitter. Criteria: ACMG Guidelines, 2015. Collection method: clinical testing. Allele origin: germline.
Comment: This variant is classified as likely benign based on ACMG/AMP sequence variant interpretation guidelines (Richards et al. 2015 PMID: 25741868, with internal and published modifications).

NM_024408.4(NOTCH2):c.2098G>C (p.Gly700Arg)

Gene: NOTCH2 (notch receptor 2; minus strand). Cytogenetic location: 1p12.
Variant type: single nucleotide variant.
Coding change: c.2098G>C on transcript NM_024408.4 (MANE Select); coding-DNA position 2098, G replaced by C.
Protein change: p.Gly700Arg; replaces glycine 700 with arginine.
Molecular consequence: missense variant.
Genome position (GRCh38, 1-based): chr1:119,955,161, C>G on the plus strand (G>C on the coding strand, the complement: NOTCH2 is on the minus strand). VCF-style: chr1-119955161-C-G. GRCh37 (hg19) VCF-style: chr1-120497784-C-G.
Other names: c.2098G>C, p.Gly700Arg (NM_001200001.2); short protein forms G700R.
Identifiers: ClinVar variation 4993398 (VCV004993398.1).